The following is an entry in ClinVar:

ClinVar aggregate classification (germline): Pathogenic/Likely pathogenic. Review status: criteria provided, multiple submitters, no conflicts (2 of 4 stars). 2 submissions from 2 submitters: Pathogenic (1); Likely pathogenic (1). Last evaluated 2025-01-10.

Conditions:
Asphyxiating thoracic dystrophy 3. Also called: Short rib polydactyly syndrome 2B; SHORT-RIB THORACIC DYSPLASIA 3 WITH OR WITHOUT POLYDACTYLY; POLYDACTYLY WITH NEONATAL CHONDRODYSTROPHY, TYPE I; SHORT-RIB THORACIC DYSPLASIA 3/6 WITH POLYDACTYLY, DIGENIC; Saldino-Noonan Syndrome. Identifiers: Orphanet 474, Orphanet 93269, Orphanet 93270, Orphanet 93271, MedGen C0036069, MONDO:0013127, OMIM 613091.

gnomAD v4.1: 10 of 1,613,112 alleles (0.00062%); highest among the groups gnomAD compares: Non-Finnish European, 0.00085%; no homozygotes.

Submissions (2):

Myriad Genetics, Inc.
Classification: Pathogenic for Asphyxiating thoracic dystrophy 3. Last evaluated: 2025-01-10. Review status: criteria provided, single submitter. Criteria: Myriad Autosomal Dominant, Autosomal Recessive and X-Linked Classification Criteria (2023). Collection method: clinical testing. Allele origin: unknown.
Comment: NM_001377.2(DYNC2H1):c.6244G>T(E2082*) is expected to be pathogenic in the context of DYNC2H1-related disorders. This variant is predicted to lead to an abnormal or absent protein product due to the creation of a premature termination codon in DYNC2H1, a gene where loss-of-function variants are known to be pathogenic. Please note: this variant was assessed in the context of healthy population screening.

Fulgent Genetics
Classification: Likely pathogenic for Asphyxiating thoracic dystrophy 3. Last evaluated: 2024-06-25. Review status: criteria provided, single submitter. Criteria: ACMG Guidelines, 2015. Collection method: clinical testing. Allele origin: germline.

NM_001377.3(DYNC2H1):c.6244G>T (p.Glu2082Ter)

Gene: DYNC2H1 (dynein cytoplasmic 2 heavy chain 1; plus strand). Cytogenetic location: 11q22.3.
Variant type: single nucleotide variant.
Coding change: c.6244G>T on transcript NM_001377.3 (MANE Select); coding-DNA position 6244, G replaced by T.
Protein change: p.Glu2082Ter; replaces glutamic acid 2082 with a stop codon.
Molecular consequence: nonsense.
Genome position (GRCh38, 1-based): chr11:103,179,130, G>T. VCF-style: chr11-103179130-G-T. GRCh37 (hg19) VCF-style: chr11-103049859-G-T.
Other names: c.6244G>T, p.Glu2082Ter (NM_001080463.2); short protein forms E2082*.
Identifiers: ClinVar variation 3598884 (VCV003598884.2).